The following is an entry in ClinVar:

NM_001283009.2(RTEL1):c.2921G>C (p.Arg974Pro)

Genes: RTEL1 (regulator of telomere elongation helicase 1; plus strand), RTEL1-TNFRSF6B (RTEL1-TNFRSF6B readthrough (NMD candidate); plus strand). Cytogenetic location: 20q13.33.
Variant type: single nucleotide variant.
Coding change: c.2921G>C on transcript NM_001283009.2 (MANE Select); coding-DNA position 2921, G replaced by C.
Protein change: p.Arg974Pro; replaces arginine 974 with proline.
Molecular consequence: missense variant. On other transcripts: non-coding transcript variant (1).
Genome position (GRCh38, 1-based): chr20:63,693,212, G>C. VCF-style: chr20-63693212-G-C. GRCh37 (hg19) VCF-style: chr20-62324565-G-C.
Other names: c.2252G>C, p.Arg751Pro (NM_001283010.1); c.2921G>C, p.Arg974Pro (NM_016434.4); c.2993G>C, p.Arg998Pro (NM_032957.5); short protein forms R751P, R974P, R998P.
Identifiers: ClinVar variation 2934514 (VCV002934514.3), dbSNP rs369716125, ClinGen allele CA9965657.

ClinVar aggregate classification (germline): Uncertain significance (1 of 4 stars; one submission).

Conditions:
Dyskeratosis congenita, autosomal recessive 5 (DKCB5). Identifiers: MedGen C3554656, MONDO:0014076, OMIM 615190.
Pulmonary fibrosis and/or bone marrow failure, Telomere-related, 3. Also called: PULMONARY FIBROSIS AND/OR BONE MARROW FAILURE SYNDROME, TELOMERE-RELATED, 3. Identifiers: Orphanet 2032, MedGen C4225346, MONDO:0014613, OMIM 616373.

gnomAD v4.1: 3 of 1,612,128 alleles (0.00019%); highest among the groups gnomAD compares: East Asian, 0.0022%; no homozygotes.

Submission:

Labcorp Genetics (formerly Invitae), Labcorp
Classification: Uncertain significance for Dyskeratosis congenita, autosomal recessive 5; Pulmonary fibrosis and/or bone marrow failure, Telomere-related, 3. Last evaluated: 2023-09-05. Review status: criteria provided, single submitter. Criteria: Invitae Variant Classification Sherloc (09022015). Collection method: clinical testing. Allele origin: germline.
Comment: This sequence change replaces arginine, which is basic and polar, with proline, which is neutral and non-polar, at codon 974 of the RTEL1 protein (p.Arg974Pro). This variant is present in population databases (rs369716125, gnomAD 0.003%). This variant has not been reported in the literature in individuals affected with RTEL1-related conditions. An algorithm developed to predict the effect of missense changes on protein structure and function (PolyPhen-2) suggests that this variant is likely to be disruptive. In summary, the available evidence is currently insufficient to determine the role of this variant in disease. Therefore, it has been classified as a Variant of Uncertain Significance.